The following is an entry in ClinVar:

NM_000059.4(BRCA2):c.10166C>T (p.Ser3389Phe)

Gene: BRCA2 (BRCA2 DNA repair associated; plus strand). Cytogenetic location: 13q13.1.
Variant type: single nucleotide variant.
Coding change: c.10166C>T on transcript NM_000059.4 (MANE Select); coding-DNA position 10166, C replaced by T.
Protein change: p.Ser3389Phe; replaces serine 3389 with phenylalanine.
Molecular consequence: missense variant.
Genome position (GRCh38, 1-based): chr13:32,398,679, C>T. VCF-style: chr13-32398679-C-T. GRCh37 (hg19) VCF-style: chr13-32972816-C-T.
Other names: 10394C>T; short protein forms S3389F.
Identifiers: ClinVar variation 96760 (VCV000096760.18), dbSNP rs431825279, ClinGen allele CA010411.
Genomic context (GRCh38, chr13:32,398,679, plus strand): 5'-CTAGGACTGCTCCCACCAGTTCAGAAGATTATCTCAGACTGAAACGACGTTGTACTACAT[C>T]TCTGATCAAAGAACAGGAGAGTTCCCAGGCCAGTACGGAAGAATGTGAGAAAAATAAGCA-3'
Protein context (NP_000050.3, residues 3379-3399): YLRLKRRCTT[Ser3389Phe]LIKEQESSQA

ClinVar aggregate classification (germline): Likely benign. Review status: criteria provided, multiple submitters, no conflicts (2 of 4 stars). 5 submissions from 5 submitters: Likely benign (4). 1 of the submissions does not count toward it. Last evaluated 2025-09-29.

Conditions:
Hereditary cancer-predisposing syndrome. Also called: Hereditary Cancer Syndrome; Neoplastic Syndromes, Hereditary; Hereditary neoplastic syndrome; Tumor predisposition. Identifiers: Orphanet 140162, MedGen C0027672, MeSH D009386, MONDO:0015356.
Hereditary breast ovarian cancer syndrome. Also called: Breast and ovarian cancer; Hereditary breast and/or ovarian cancer syndrome; Hereditary breast and ovarian cancer; Hereditary breast and ovarian cancer syndrome; Hereditary breast and ovarian cancer syndrome (HBOC); BRCA1- and BRCA2-Associated Hereditary Breast and Ovarian Cancer. Identifiers: Orphanet 145, MedGen C0677776, MeSH D061325, MONDO:0003582. Disease mechanism: loss of function.
Breast-ovarian cancer, familial, susceptibility to, 2 (BROVCA2). Also called: BRCA2 Hereditary Breast and Ovarian Cancer. Identifiers: Orphanet 145, MedGen C2675520, MONDO:0012933, OMIM 612555. Disease mechanism: loss of function.

Allele frequency attached by ClinVar (database versions not stated): gnomAD below 0.00001 and 0.00001; gnomAD exomes 0.00001.
gnomAD v4.1: 5 of 1,614,026 alleles (0.00031%); highest among the groups gnomAD compares: South Asian, 0.0044%; no homozygotes.

Submissions (5):

Women's Health and Genetics/Laboratory Corporation of America, LabCorp
Classification: Likely benign. Last evaluated: 2025-09-29. Review status: criteria provided, single submitter. Criteria: LabCorp Variant Classification Summary - May 2015. Collection method: clinical testing. Allele origin: germline.
Comment: Variant summary: BRCA2 c.10166C>T (p.Ser3389Phe) results in a non-conservative amino acid change in the encoded protein sequence. Algorithms developed to predict the effect of missense changes on protein structure and function are either unavailable or do not agree on the potential impact of this missense change. The variant was absent in 251206 control chromosomes. The available data on variant occurrences in the general population are insufficient to allow any conclusion about variant significance. To our knowledge, no occurrence of c.10166C>T in individuals affected with BRCA2-related conditions has been reported. At least one functional study reports experimental evidence evaluating an impact on protein function and showed that this variant had 78% homologous recombination (HR) activity compared to the wild-type protein, indicating no damaging effect of this variant (e.g. Guo_2023). HR assays qualify as a recognized gold standard on the basis of updated guidance provided by the ClinGen Sequence Variant Interpretation (SVI) working group. The following publication has been ascertained in the context of this evaluation (PMID: 37731132). ClinVar contains an entry for this variant (Variation ID: 96760). Based on the evidence outlined above, the variant was classified as likely benign.

Labcorp Genetics (formerly Invitae), Labcorp
Classification: Likely benign for Hereditary breast ovarian cancer syndrome. Last evaluated: 2025-06-02. Review status: criteria provided, single submitter. Criteria: Invitae Variant Classification Sherloc (09022015). Collection method: clinical testing. Allele origin: germline.

GeneDx
Classification: Likely benign. Last evaluated: 2015-03-03. Review status: criteria provided, single submitter. Criteria: GeneDx Variant Classification Process June 2021. Collection method: clinical testing. Allele origin: germline. Affected: yes.

Ambry Genetics
Classification: Likely benign for Hereditary cancer-predisposing syndrome. Last evaluated: 2015-02-23. Review status: criteria provided, single submitter. Criteria: Ambry Variant Classification Scheme 2023. Collection method: clinical testing. Allele origin: germline.

Sharing Clinical Reports Project (SCRP)
Classification: Likely benign for Breast-ovarian cancer, familial 2. Last evaluated: 2012-05-01. Review status: no assertion criteria provided. Collection method: clinical testing. Allele origin: germline. Not counted in ClinVar's aggregate classification.

Literature cited by the submitters: PubMed 37731132 (cited by Women's Health and Genetics/Laboratory Corporation of America, LabCorp).